The following is an entry in ClinVar:

NM_000059.4(BRCA2):c.3250A>G (p.Ser1084Gly)

Gene: BRCA2 (BRCA2 DNA repair associated; plus strand). Cytogenetic location: 13q13.1.
Variant type: single nucleotide variant.
Coding change: c.3250A>G on transcript NM_000059.4 (MANE Select); coding-DNA position 3250, A replaced by G.
Protein change: p.Ser1084Gly; replaces serine 1084 with glycine.
Molecular consequence: missense variant.
Genome position (GRCh38, 1-based): chr13:32,337,605, A>G. VCF-style: chr13-32337605-A-G. GRCh37 (hg19) VCF-style: chr13-32911742-A-G.
Other names: short protein forms S1084G.
Identifiers: ClinVar variation 850728 (VCV000850728.11), dbSNP rs369907107, ClinGen allele CA6940683.
Genomic context (GRCh38, chr13:32,337,605, plus strand): 5'-TCAATTAATACTGTATCTGCACATTTACAGAGTAGTGTAGTTGTTTCTGATTGTAAAAAT[A>G]GTCATATAACCCCTCAGATGTTATTTTCCAAGCAGGATTTTAATTCAAACCATAATTTAA-3'
Protein context (NP_000050.3, residues 1074-1094): SSVVVSDCKN[Ser1084Gly]HITPQMLFSK

ClinVar aggregate classification (germline): Conflicting classifications of pathogenicity. Review status: criteria provided, conflicting classifications (1 of 4 stars). 2 submissions from 2 submitters: Uncertain significance (1); Likely benign (1). Last evaluated 2024-07-22.

Conditions:
Hereditary breast ovarian cancer syndrome. Also called: Hereditary breast and ovarian cancer syndrome; Breast and ovarian cancer; Hereditary breast and/or ovarian cancer syndrome; Hereditary breast and ovarian cancer; BRCA1- and BRCA2-Associated Hereditary Breast and Ovarian Cancer; Hereditary breast and ovarian cancer syndrome (HBOC). Identifiers: Orphanet 145, MedGen C0677776, MeSH D061325, MONDO:0003582. Disease mechanism: loss of function.
Hereditary cancer-predisposing syndrome. Also called: Tumor predisposition; Neoplastic Syndromes, Hereditary; Hereditary neoplastic syndrome; Hereditary Cancer Syndrome. Identifiers: Orphanet 140162, MedGen C0027672, MeSH D009386, MONDO:0015356.

Allele frequency attached by ClinVar (database versions not stated): gnomAD exomes below 0.00001; TOPMed below 0.00001; ExAC 0.00001; ESP Exome Variant Server 0.00008.
gnomAD v4.1: 2 of 1,593,680 alleles (0.00013%); highest among the groups gnomAD compares: African/African-American, 0.0014%; no homozygotes.

Submissions (2):

Labcorp Genetics (formerly Invitae), Labcorp
Classification: Uncertain significance for Hereditary breast ovarian cancer syndrome. Last evaluated: 2024-07-22. Review status: criteria provided, single submitter. Criteria: Invitae Variant Classification Sherloc (09022015). Collection method: clinical testing. Allele origin: germline.
Comment: This sequence change replaces serine, which is neutral and polar, with glycine, which is neutral and non-polar, at codon 1084 of the BRCA2 protein (p.Ser1084Gly). This variant is present in population databases (rs369907107, gnomAD 0.007%). This variant has not been reported in the literature in individuals affected with BRCA2-related conditions. ClinVar contains an entry for this variant (Variation ID: 850728). Advanced modeling of protein sequence and biophysical properties (such as structural, functional, and spatial information, amino acid conservation, physicochemical variation, residue mobility, and thermodynamic stability) performed at Invitae indicates that this missense variant is not expected to disrupt BRCA2 protein function with a negative predictive value of 95%. In summary, the available evidence is currently insufficient to determine the role of this variant in disease. Therefore, it has been classified as a Variant of Uncertain Significance.

University of Washington Department of Laboratory Medicine, University of Washington
Classification: Likely benign for Hereditary cancer-predisposing syndrome. Last evaluated: 2023-03-23. Review status: criteria provided, single submitter. Criteria: Dines et al. (Genet Med. 2020). Collection method: curation. Allele origin: germline.
Comment: Missense variant in a coldspot region where missense variants are very unlikely to be pathogenic (PMID:31911673).

BRCA2 exon 11 coldspot. Reclassification based on statistical prior probability.